The following is an entry in ClinVar:

NM_001127644.2(GABRA1):c.1342C>G (p.Gln448Glu)

Gene: GABRA1 (gamma-aminobutyric acid type A receptor subunit alpha1; plus strand). Cytogenetic location: 5q34.
Variant type: single nucleotide variant.
Coding change: c.1342C>G on transcript NM_001127644.2 (MANE Select); coding-DNA position 1342, C replaced by G.
Protein change: p.Gln448Glu; replaces glutamine 448 with glutamic acid.
Molecular consequence: missense variant.
Genome position (GRCh38, 1-based): chr5:161,897,393, C>G. VCF-style: chr5-161897393-C-G. GRCh37 (hg19) VCF-style: chr5-161324399-C-G.
Other names: c.1342C>G, p.Gln448Glu (NM_000806.5, NM_001127643.2, NM_001127645.2 and 1 more transcripts); short protein forms Q448E.
Identifiers: ClinVar variation 1329620 (VCV001329620.2), dbSNP rs2113470665, ClinGen allele CA362181371.

ClinVar aggregate classification (germline): Uncertain significance (1 of 4 stars; one submission).

Submission:

GeneDx
Classification: Uncertain significance. Last evaluated: 2021-06-25. Review status: criteria provided, single submitter. Criteria: GeneDx Variant Classification Process June 2021. Collection method: clinical testing. Allele origin: germline. Affected: yes.
Comment: Not observed at significant frequency in large population cohorts (Lek et al., 2016); In silico analysis supports that this missense variant does not alter protein structure/function; Has not been previously published as pathogenic or benign to our knowledge; This variant is associated with the following publications: (PMID: 27535533)